The following is an entry in ClinVar:

ClinVar aggregate classification (germline): Uncertain significance (1 of 4 stars; one submission).

Submission:

Labcorp Genetics (formerly Invitae), Labcorp
Classification: Uncertain significance. Last evaluated: 2025-04-01. Review status: criteria provided, single submitter. Criteria: Invitae Variant Classification Sherloc (09022015). Collection method: clinical testing. Allele origin: germline.
Comment: This sequence change replaces valine, which is neutral and non-polar, with alanine, which is neutral and non-polar, at codon 707 of the DDR2 protein (p.Val707Ala). This variant is not present in population databases (gnomAD no frequency). This variant has not been reported in the literature in individuals affected with DDR2-related conditions. An algorithm developed to predict the effect of missense changes on protein structure and function (PolyPhen-2) suggests that this variant is likely to be disruptive. In summary, the available evidence is currently insufficient to determine the role of this variant in disease. Therefore, it has been classified as a Variant of Uncertain Significance.

NM_006182.4(DDR2):c.2120T>C (p.Val707Ala)

Gene: DDR2 (discoidin domain receptor tyrosine kinase 2; plus strand). Cytogenetic location: 1q23.3.
Variant type: single nucleotide variant.
Coding change: c.2120T>C on transcript NM_006182.4 (MANE Select); coding-DNA position 2120, T replaced by C.
Protein change: p.Val707Ala; replaces valine 707 with alanine.
Molecular consequence: missense variant.
Genome position (GRCh38, 1-based): chr1:162,776,207, T>C. VCF-style: chr1-162776207-T-C. GRCh37 (hg19) VCF-style: chr1-162745997-T-C.
Other names: c.2120T>C, p.Val707Ala (NM_001014796.3, NM_001354982.2, NM_001354983.2); short protein forms V707A.
Identifiers: ClinVar variation 4695346 (VCV004695346.1).
Genomic context (GRCh38, chr1:162,776,207, plus strand): 5'-TGAAGTTTATGGCTACCCAAATTGCCTCTGGCATGAAGTACCTTTCCTCTCTTAATTTTG[T>C]TCACCGAGATCTGGCCACACGAAACTGTTTAGTGGGTAAGAACTACACAATCAAGATAGC-3'
Protein context (NP_006173.2, residues 697-717): GMKYLSSLNF[Val707Ala]HRDLATRNCL